The following is an entry in ClinVar:

NM_013444.4(UBQLN2):c.1104C>T (p.Gly368=)

Gene: UBQLN2 (ubiquilin 2; plus strand). Cytogenetic location: Xp11.21.
Variant type: single nucleotide variant.
Coding change: c.1104C>T on transcript NM_013444.4 (MANE Select); coding-DNA position 1104, C replaced by T.
Protein change: p.Gly368=; no amino-acid change (glycine 368 retained).
Molecular consequence: synonymous variant.
Genome position (GRCh38, 1-based): chrX:56,564,977, C>T. VCF-style: chrX-56564977-C-T. GRCh37 (hg19) VCF-style: chrX-56591410-C-T.
Identifiers: ClinVar variation 4716840 (VCV004716840.1).
Genomic context (GRCh38, chrX:56,564,977, plus strand): 5'-TGCTACTGGGAACACCGTTGCTGCCGCTAATTATGTCGCCAGCATCTTTAGTACCCCAGG[C>T]ATGCAGAGCCTGCTGCAACAGATAACTGAAAACCCCCAGCTGATTCAGAATATGCTGTCG-3'
Protein context (NP_038472.2, residues 358-378): NYVASIFSTP[Gly368=]MQSLLQQITE

ClinVar aggregate classification (germline): Uncertain significance (1 of 4 stars; one submission).

Conditions:
Amyotrophic lateral sclerosis type 15. Also called: AMYOTROPHIC LATERAL SCLEROSIS 15 WITH FRONTOTEMPORAL DEMENTIA. Identifiers: Orphanet 803, MedGen C3275459, MONDO:0010459, OMIM 300857.

Submission:

Labcorp Genetics (formerly Invitae), Labcorp
Classification: Uncertain significance for Amyotrophic lateral sclerosis type 15. Last evaluated: 2025-04-08. Review status: criteria provided, single submitter. Criteria: Invitae Variant Classification Sherloc (09022015). Collection method: clinical testing. Allele origin: germline.
Comment: This sequence change affects codon 368 of the UBQLN2 mRNA. It is a 'silent' change, meaning that it does not change the encoded amino acid sequence of the UBQLN2 protein. This variant is not present in population databases (gnomAD no frequency). This variant has not been reported in the literature in individuals affected with UBQLN2-related conditions. In summary, the available evidence is currently insufficient to determine the role of this variant in disease. Therefore, it has been classified as a Variant of Uncertain Significance.